The following is an entry in ClinVar:

NM_001270508.2(TNFAIP3):c.919T>G (p.Leu307Val)

Gene: TNFAIP3 (TNF alpha induced protein 3; plus strand). Cytogenetic location: 6q23.3.
Variant type: single nucleotide variant.
Coding change: c.919T>G on transcript NM_001270508.2 (MANE Select); coding-DNA position 919, T replaced by G.
Protein change: p.Leu307Val; replaces leucine 307 with valine.
Molecular consequence: missense variant.
Genome position (GRCh38, 1-based): chr6:137,877,189, T>G. VCF-style: chr6-137877189-T-G. GRCh37 (hg19) VCF-style: chr6-138198326-T-G.
Other names: c.919T>G (NM_006290.2); c.919T>G, p.Leu307Val (NM_001270507.2, NM_006290.4); short protein forms L307V.
Identifiers: ClinVar variation 1523471 (VCV001523471.31), dbSNP rs145745293, ClinGen allele CA4019543.
Genomic context (GRCh38, chr6:137,877,189, plus strand): 5'-AAAGTTCACTTTTTGACAGATCCTGAAAATGAGATGAAGGAGAAGCTCTTAAAAGAGTAC[T>G]TAATGGTGATAGAAATCCCCGTCCAAGGCTGGGACCATGGCACAACTCATCTCATCAATG-3'
Protein context (NP_001257437.1, residues 297-317): EMKEKLLKEY[Leu307Val]MVIEIPVQGW

ClinVar aggregate classification (germline): Conflicting classifications of pathogenicity. Review status: criteria provided, conflicting classifications (1 of 4 stars). 4 submissions from 4 submitters: Uncertain significance (3); Likely benign (1). Last evaluated 2025-12-18.

Conditions:
Inborn genetic diseases. Identifiers: MedGen C0950123, MeSH D030342.

Allele frequency attached by ClinVar (database versions not stated): ExAC 0.00006; gnomAD exomes 0.00008; gnomAD 0.00011 and 0.00012; TOPMed 0.00013; ESP Exome Variant Server 0.00015; 1000 Genomes Project 30x 0.00016; 1000 Genomes Project 0.00020.

Submissions (4):

Labcorp Genetics (formerly Invitae), Labcorp
Classification: Uncertain significance. Last evaluated: 2025-12-18. Review status: criteria provided, single submitter. Criteria: Invitae Variant Classification Sherloc (09022015). Collection method: clinical testing. Allele origin: germline.
Comment: This sequence change replaces leucine, which is neutral and non-polar, with valine, which is neutral and non-polar, at codon 307 of the TNFAIP3 protein (p.Leu307Val). This variant is present in population databases (rs145745293, gnomAD 0.02%). This variant has not been reported in the literature in individuals affected with TNFAIP3-related conditions. This missense change has been observed in at least one individual who was not affected with TNFAIP3-related conditions (internal data). ClinVar contains an entry for this variant (Variation ID: 1523471). Invitae Evidence Modeling of protein sequence and biophysical properties (such as structural, functional, and spatial information, amino acid conservation, physicochemical variation, residue mobility, and thermodynamic stability) has been performed for this missense variant. However, the output from this modeling did not meet the statistical confidence thresholds required to predict the impact of this variant on TNFAIP3 protein function. In summary, the available evidence is currently insufficient to determine the role of this variant in disease. Therefore, it has been classified as a Variant of Uncertain Significance.

Ambry Genetics
Classification: Uncertain significance for Inborn genetic diseases. Last evaluated: 2025-04-10. Review status: criteria provided, single submitter. Criteria: Ambry Variant Classification Scheme 2023. Collection method: clinical testing. Allele origin: germline.

Blueprint Genetics
Classification: Likely benign. Last evaluated: 2024-04-15. Review status: criteria provided, single submitter. Criteria: ACMG Guidelines, 2015. Collection method: clinical testing. Allele origin: germline.

CeGaT Center for Human Genetics Tuebingen
Classification: Uncertain significance. Last evaluated: 2023-01-01. Review status: criteria provided, single submitter. Criteria: CeGaT Center For Human Genetics Tuebingen Variant Classification Criteria Version 2. Collection method: clinical testing. Allele origin: germline. Affected: yes. Observed: 1 variant allele.